The following is an entry in ClinVar:

ClinVar aggregate classification (germline): Uncertain significance (1 of 4 stars; one submission).

Conditions:
PCNT-related disorder. Also called: PCNT-related condition.

Submission:

PreventionGenetics, part of Exact Sciences
Classification: Uncertain significance for PCNT-related condition. Last evaluated: 2026-03-04. Review status: criteria provided, single submitter. Criteria: ACMG Guidelines, 2015. Collection method: clinical testing. Allele origin: germline.
Comment: The PCNT c.649C>A variant is predicted to result in the amino acid substitution p.Gln217Lys. To our knowledge, this variant has not been reported in the literature or in a large population database (gnomAD), indicating this variant is rare. At this time, the clinical significance of this variant is uncertain due to the absence of conclusive functional and genetic evidence.

NM_006031.6(PCNT):c.649C>A (p.Gln217Lys)

Gene: PCNT (pericentrin; plus strand). Cytogenetic location: 21q22.3.
Variant type: single nucleotide variant.
Coding change: c.649C>A on transcript NM_006031.6 (MANE Select); coding-DNA position 649, C replaced by A.
Protein change: p.Gln217Lys; replaces glutamine 217 with lysine.
Molecular consequence: missense variant.
Genome position (GRCh38, 1-based): chr21:46,346,137, C>A. VCF-style: chr21-46346137-C-A. GRCh37 (hg19) VCF-style: chr21-47766051-C-A.
Other names: c.295C>A, p.Gln99Lys (NM_001315529.2); short protein forms Q99K, Q217K.
Identifiers: ClinVar variation 4986799 (VCV004986799.1).